The following is an entry in ClinVar:

ClinVar aggregate classification (germline): Pathogenic (1 of 4 stars; one submission).

Conditions:
Familial cancer of breast. Also called: hereditary breast carcinoma; BREAST CANCER, FAMILIAL; Hereditary breast cancer. Identifiers: Orphanet 227535, MedGen C0346153, MONDO:0016419, OMIM 114480. Disease mechanism: loss of function.

Submission:

Myriad Genetics, Inc.
Classification: Pathogenic for Familial cancer of breast. Last evaluated: 2024-01-31. Review status: criteria provided, single submitter. Criteria: Myriad Autosomal Dominant, Autosomal Recessive and X-Linked Classification Criteria (2023). Collection method: clinical testing. Allele origin: unknown.
Comment: This variant is considered pathogenic. This variant creates a frameshift predicted to result in premature protein truncation.

NM_000051.4(ATM):c.7684_7685del (p.Ala2562fs)

Genes: ATM (ATM serine/threonine kinase; plus strand), C11orf65 (chromosome 11 open reading frame 65; minus strand). Cytogenetic location: 11q22.3.
Variant type: Deletion.
Coding change: c.7684_7685del on transcript NM_000051.4 (MANE Select); coding-DNA positions 7684 to 7685, 2 bases deleted (GC; older notation c.7684_7685delGC).
Protein change: p.Ala2562fs; shifts the reading frame from alanine 2562.
Molecular consequence: frameshift variant. On other transcripts: intron variant (2).
Genome position (GRCh38, 1-based): chr11:108,331,933-108,331,934, GC deleted. VCF-style (leftmost placement, unchanged base first): chr11-108331932-GGC-G. GRCh37 (hg19) VCF-style: chr11-108202659-GGC-G.
Other names: c.7684_7685del, p.Ala2562fs (NM_001351834.2); c.641-22863_641-22862del (NM_001330368.2); c.*38+3286_*38+3287del (NM_001351110.2); short protein forms A2562fs.
Identifiers: ClinVar variation 3148212 (VCV003148212.1), dbSNP rs2547282767, ClinGen allele CA2825001965.
Genomic context (GRCh38, chr11:108,331,932, plus strand): 5'-CTTACAGCTAATCTCTAGAATTTCAATGGATCACCCCCATCACACTTTGTTTATTATACT[GGC>G]CTTAGCAAATGCAAACAGAGATGAATTTCTGACTAAACCAGAGGTAGCCAGAAGAAGCAG-3'